The following is an entry in ClinVar:

NM_001184880.2(PCDH19):c.2069del (p.Gly690fs)

Gene: PCDH19 (protocadherin 19; minus strand). Cytogenetic location: Xq22.1.
Variant type: Deletion.
Coding change: c.2069del on transcript NM_001184880.2 (MANE Select); coding-DNA position 2069, one base deleted (G; older notation c.2069delG).
Protein change: p.Gly690fs; shifts the reading frame from glycine 690.
Molecular consequence: frameshift variant.
Genome position (GRCh38, 1-based): chrX:100,406,529, C deleted on the plus strand (G on the coding strand, the reverse complement: PCDH19 is on the minus strand); the first of 3 consecutive C bases (chrX:100,406,529-100,406,531); deleting any one gives the same sequence. VCF-style (leftmost placement, unchanged base first): chrX-100406528-GC-G. GRCh37 (hg19) VCF-style: chrX-99661526-GC-G.
Other names: c.2069del, p.Gly690fs (NM_001105243.2, NM_020766.3); short protein forms G690fs.
Identifiers: ClinVar variation 2852518 (VCV002852518.4), dbSNP rs2520975522, ClinGen allele CA2739273659.

ClinVar aggregate classification (germline): Pathogenic/Likely pathogenic. Review status: criteria provided, multiple submitters, no conflicts (2 of 4 stars). 2 submissions from 2 submitters: Pathogenic (1); Likely pathogenic (1). Last evaluated 2023-09-01.

Conditions:
PCDH19-related disorder. Also called: PCDH19-related condition.
Developmental and epileptic encephalopathy, 9 (DEE9). Also called: Early infantile epileptic encephalopathy 9; EPILEPSY, FEMALE-RESTRICTED, WITH MENTAL RETARDATION; JUBERG-HELLMAN SYNDROME; PCDH19-Related X-Linked Female-Limited Epilepsy with Mental Retardation. Identifiers: Orphanet 101039, Orphanet 2076, MedGen C1848137, MONDO:0010246, OMIM 300088. Disease mechanism: loss of function.

Submissions (2):

Labcorp Genetics (formerly Invitae), Labcorp
Classification: Pathogenic for Developmental and epileptic encephalopathy, 9. Last evaluated: 2023-09-01. Review status: criteria provided, single submitter. Criteria: Invitae Variant Classification Sherloc (09022015). Collection method: clinical testing. Allele origin: germline.
Comment: For these reasons, this variant has been classified as Pathogenic. This variant has not been reported in the literature in individuals affected with PCDH19-related conditions. This variant is not present in population databases (gnomAD no frequency). This sequence change creates a premature translational stop signal (p.Gly690Alafs*5) in the PCDH19 gene. It is expected to result in an absent or disrupted protein product. Loss-of-function variants in PCDH19 are known to be pathogenic (PMID: 21053371).

Blueprint Genetics
Classification: Likely pathogenic for PCDH19-related disorders. Last evaluated: 2021-02-16. Review status: criteria provided, single submitter. Criteria: ACMG Guidelines, 2015. Collection method: clinical testing. Allele origin: germline. Affected: yes. Observed: 2 variant alleles.

Literature cited by the submitters: PubMed 21053371 (cited by Labcorp Genetics (formerly Invitae), Labcorp).